The following is an entry in ClinVar:

NM_000268.4(NF2):c.1583A>G (p.Tyr528Cys)

Gene: NF2 (NF2, moesin-ezrin-radixin like (MERLIN) tumor suppressor; plus strand). Cytogenetic location: 22q12.2.
Variant type: single nucleotide variant.
Coding change: c.1583A>G on transcript NM_000268.4 (MANE Select); coding-DNA position 1583, A replaced by G.
Protein change: p.Tyr528Cys; replaces tyrosine 528 with cysteine.
Molecular consequence: missense variant. On other transcripts: intron variant (3).
Genome position (GRCh38, 1-based): chr22:29,681,447, A>G. VCF-style: chr22-29681447-A-G. GRCh37 (hg19) VCF-style: chr22-30077436-A-G.
Other names: c.1583A>G, p.Tyr528Cys (NM_001407066.1, NM_016418.5, NM_181825.3 and 1 more transcripts); c.1352A>G, p.Tyr451Cys (NM_001407067.1); c.1457A>G, p.Tyr486Cys (NM_181828.3, NM_001407055.1); c.1460A>G, p.Tyr487Cys (NM_181829.3, NM_001407054.1, NM_001407058.1); c.1334A>G, p.Tyr445Cys (NM_181830.3, NM_181831.3, NM_001407063.1); c.1574+3124A>G (NM_001407060.1); c.448-13305A>G (NM_181833.3); c.1325+3124A>G (NM_001407064.1); and 4 more; short protein forms Y350C, Y442C, Y445C, Y451C, Y483C, Y486C, Y487C, Y490C.
Identifiers: ClinVar variation 3231081 (VCV003231081.1), dbSNP rs2518733799, ClinGen allele CA411150003.
Genomic context (GRCh38, chr22:29,681,447, plus strand): 5'-CGTGTCTCACTGTCTGCCCAAGCCCTGATGCATGATACCCTCTTGCCGGCAGAGTGGAAT[A>G]CATGGAAAAGAGCAAGCATCTGCAGGAGCAGCTCAATGAACTCAAGACAGAAATCGAGGC-3'
Protein context (NP_000259.1, residues 518-538): SMEIEKEKVE[Tyr528Cys]MEKSKHLQEQ

ClinVar aggregate classification (germline): Uncertain significance (1 of 4 stars; one submission).

Conditions:
Hereditary cancer-predisposing syndrome. Also called: Neoplastic Syndromes, Hereditary; Tumor predisposition; Hereditary neoplastic syndrome; Hereditary Cancer Syndrome. Identifiers: Orphanet 140162, MedGen C0027672, MeSH D009386, MONDO:0015356.

Submission:

Ambry Genetics
Classification: Uncertain significance for Hereditary cancer-predisposing syndrome. Last evaluated: 2024-02-29. Review status: criteria provided, single submitter. Criteria: Ambry Variant Classification Scheme 2023. Collection method: clinical testing. Allele origin: germline.
Comment: The p.Y528C variant (also known as c.1583A>G), located in coding exon 15 of the NF2 gene, results from an A to G substitution at nucleotide position 1583. The tyrosine at codon 528 is replaced by cysteine, an amino acid with highly dissimilar properties. This amino acid position is conserved. In addition, this alteration is predicted to be deleterious by in silico analysis. Based on the available evidence, the clinical significance of this alteration remains unclear.